The following is an entry in ClinVar:

ClinVar aggregate classification (germline): Likely pathogenic (1 of 4 stars; one submission).

Conditions:
Acyl-CoA dehydrogenase 9 deficiency. Also called: Acyl-CoA dehydrogenase family, member 9, deficiency of; MITOCHONDRIAL COMPLEX I DEFICIENCY, NUCLEAR TYPE 20. Identifiers: Orphanet 99901, MedGen C4747517, MONDO:0012624, OMIM 611126.

Submission:

Natera, Inc.
Classification: Likely pathogenic for ACAD9 deficiency. Last evaluated: 2024-07-10. Review status: criteria provided, single submitter. Criteria: Natera Variant Classification Schema (03/2026). Collection method: clinical testing. Allele origin: germline.
Comment: The c.1279-1G>C variant in ACAD9 is a canonical splice acceptor site variant predicted to affect pre-mRNA splicing, which may result in an abnormal transcript and altered protein product. This variant is expected to result in nonsense mediated decay, truncation, or a dysfunctional protein product. This variant is rare in the general population with a frequency below the threshold expected for the associated phenotype(s). Given the available evidence, this variant is classified as Likely Pathogenic.

NM_014049.5(ACAD9):c.1279-1G>C

Gene: ACAD9 (acyl-CoA dehydrogenase family member 9; plus strand). Cytogenetic location: 3q21.3.
Variant type: single nucleotide variant.
Coding change: c.1279-1G>C on transcript NM_014049.5 (MANE Select); the canonical splice acceptor site of the intron before coding-DNA position 1279, G replaced by C.
Molecular consequence: splice acceptor variant.
Genome position (GRCh38, 1-based): chr3:128,908,184, G>C. VCF-style: chr3-128908184-G-C. GRCh37 (hg19) VCF-style: chr3-128627027-G-C.
Other names: c.910-1G>C (NM_001410805.1).
Identifiers: ClinVar variation 4815584 (VCV004815584.1).